The following is an entry in ClinVar:

NM_198994.3(TGM6):c.7+46G>A

Gene: TGM6 (transglutaminase 6; plus strand). Cytogenetic location: 20p13.
Variant type: single nucleotide variant.
Coding change: c.7+46G>A on transcript NM_198994.3 (MANE Select); 46 bases into the intron after coding-DNA position 7, G replaced by A.
Molecular consequence: intron variant.
Genome position (GRCh38, 1-based): chr20:2,381,021, G>A. VCF-style: chr20-2381021-G-A. GRCh37 (hg19) VCF-style: chr20-2361667-G-A.
Other names: c.7+46G>A (NM_001254734.2).
Identifiers: ClinVar variation 1698253 (VCV001698253.2), dbSNP rs151031920, ClinGen allele CA9731498.

ClinVar aggregate classification (germline): Likely benign (1 of 4 stars; one submission).

Allele frequency attached by ClinVar (database versions not stated): gnomAD exomes 0.00076 and 0.00179; ExAC 0.00246; 1000 Genomes Project 0.00659; gnomAD 0.00675 and 0.00730; 1000 Genomes Project 30x 0.00718; TOPMed 0.00835; ESP Exome Variant Server 0.00846.
gnomAD v4.1: 2,218 of 1,605,530 alleles (0.14%); highest among the groups gnomAD compares: African/African-American, 2.5%; 21 homozygotes.

Submission:

GeneDx
Classification: Likely benign. Last evaluated: 2022-01-19. Review status: criteria provided, single submitter. Criteria: GeneDx Variant Classification Process June 2021. Collection method: clinical testing. Allele origin: germline. Affected: yes.
Comment: See Variant Classification Assertion Criteria.